The following is an entry in ClinVar:

ClinVar aggregate classification (germline): Uncertain significance. Review status: criteria provided, multiple submitters, no conflicts (2 of 4 stars). 2 submissions from 2 submitters: Uncertain significance (2). Last evaluated 2023-09-28.

Conditions:
POLD1-related polyposis and colorectal cancer syndrome (CRCS10). Also called: Colorectal cancer 10; COLORECTAL CANCER, SUSCEPTIBILITY TO, ON CHROMOSOME 19q; Colorectal cancer, susceptibility to, 10. Identifiers: Orphanet 220460, MedGen C2675481, MONDO:0012953, OMIM 612591.

Submissions (2):

Labcorp Genetics (formerly Invitae), Labcorp
Classification: Uncertain significance for POLD1-related polyposis and colorectal cancer syndrome. Last evaluated: 2023-09-28. Review status: criteria provided, single submitter. Criteria: Invitae Variant Classification Sherloc (09022015). Collection method: clinical testing. Allele origin: germline.
Comment: This variant has not been reported in the literature in individuals affected with POLD1-related conditions. This sequence change replaces methionine, which is neutral and non-polar, with isoleucine, which is neutral and non-polar, at codon 198 of the POLD1 protein (p.Met198Ile). This variant is not present in population databases (gnomAD no frequency). ClinVar contains an entry for this variant (Variation ID: 582231). Advanced modeling of protein sequence and biophysical properties (such as structural, functional, and spatial information, amino acid conservation, physicochemical variation, residue mobility, and thermodynamic stability) performed at Invitae indicates that this missense variant is not expected to disrupt POLD1 protein function. In summary, the available evidence is currently insufficient to determine the role of this variant in disease. Therefore, it has been classified as a Variant of Uncertain Significance.

GeneDx
Classification: Uncertain significance. Last evaluated: 2023-05-01. Review status: criteria provided, single submitter. Criteria: GeneDx Variant Classification Process June 2021. Collection method: clinical testing. Allele origin: germline. Affected: yes.
Comment: Not observed at significant frequency in large population cohorts (gnomAD); In silico analysis supports that this missense variant does not alter protein structure/function; Has not been previously published as pathogenic or benign to our knowledge

NM_002691.4(POLD1):c.594G>A (p.Met198Ile)

Gene: POLD1 (DNA polymerase delta 1, catalytic subunit; plus strand). Cytogenetic location: 19q13.33.
Variant type: single nucleotide variant.
Coding change: c.594G>A on transcript NM_002691.4 (MANE Select); coding-DNA position 594, G replaced by A.
Protein change: p.Met198Ile; replaces methionine 198 with isoleucine.
Molecular consequence: missense variant. On other transcripts: non-coding transcript variant (1).
Genome position (GRCh38, 1-based): chr19:50,402,209, G>A. VCF-style: chr19-50402209-G-A. GRCh37 (hg19) VCF-style: chr19-50905466-G-A.
Other names: c.594G>A, p.Met198Ile (NM_001256849.1, NM_001308632.1); short protein forms M198I.
Identifiers: ClinVar variation 582231 (VCV000582231.9), dbSNP rs1568619850, ClinGen allele CA406973728.